The following is an entry in ClinVar:

NM_000489.6(ATRX):c.4169G>A (p.Ser1390Asn)

Gene: ATRX (ATRX chromatin remodeler; minus strand). Cytogenetic location: Xq21.1.
Variant type: single nucleotide variant.
Coding change: c.4169G>A on transcript NM_000489.6 (MANE Select); coding-DNA position 4169, G replaced by A.
Protein change: p.Ser1390Asn; replaces serine 1390 with asparagine.
Molecular consequence: missense variant.
Genome position (GRCh38, 1-based): chrX:77,656,605, C>T on the plus strand (G>A on the coding strand, the complement: ATRX is on the minus strand). VCF-style: chrX-77656605-C-T. GRCh37 (hg19) VCF-style: chrX-76912095-C-T.
Other names: c.4055G>A, p.Ser1352Asn (NM_138270.5); short protein forms S1352N, S1390N.
Identifiers: ClinVar variation 1316567 (VCV001316567.2), dbSNP rs2148460882, ClinGen allele CA413710635.

ClinVar aggregate classification (germline): Uncertain significance (1 of 4 stars; one submission).

Submission:

GeneDx
Classification: Uncertain significance. Last evaluated: 2019-12-09. Review status: criteria provided, single submitter. Criteria: GeneDx Variant Classification Process June 2021. Collection method: clinical testing. Allele origin: germline. Affected: yes.
Comment: Not observed in large population cohorts (Lek et al., 2016); In silico analysis, which includes protein predictors and evolutionary conservation, supports that this variant does not alter protein structure/function; Has not been previously published as pathogenic or benign to our knowledge